The following is an entry in ClinVar:

NM_002439.5(MSH3):c.2253+3_2253+7del

Gene: MSH3 (mutS homolog 3; plus strand). Cytogenetic location: 5q14.1.
Variant type: Deletion.
Coding change: c.2253+3_2253+7del on transcript NM_002439.5 (MANE Select); bases 3 to 7 of the intron after coding-DNA position 2253, 5 bases deleted (AATGT; older notation c.2253+3_2253+7delAATGT).
Molecular consequence: splice donor variant.
Genome position (GRCh38, 1-based): chr5:80,769,006-80,769,010, AATGT deleted; deleting any 5 consecutive bases within chr5:80,769,004-80,769,010 gives the same sequence; the c. name uses the placement nearest the transcript's 3' end. VCF-style (leftmost placement, unchanged base first): chr5-80769003-GGTAAT-G. GRCh37 (hg19) VCF-style: chr5-80064822-GGTAAT-G.
Other names: c.2253+3_2253+7delAATGT (NM_002439.4).
Identifiers: ClinVar variation 657243 (VCV000657243.17), dbSNP rs1488467945, ClinGen allele CA560566866.

ClinVar aggregate classification (germline): Pathogenic/Likely pathogenic. Review status: criteria provided, multiple submitters, no conflicts (2 of 4 stars). 3 submissions from 3 submitters: Pathogenic (1); Likely pathogenic (2). Last evaluated 2026-01-04.

Conditions:
Endometrial carcinoma. Also called: Endometrial carcinoma, somatic. Identifiers: MedGen C0476089, MONDO:0002447, OMIM 608089, HP:0012114.
Hereditary cancer-predisposing syndrome. Also called: Hereditary neoplastic syndrome; Tumor predisposition; Neoplastic Syndromes, Hereditary; Hereditary Cancer Syndrome. Identifiers: Orphanet 140162, MedGen C0027672, MeSH D009386, MONDO:0015356.

Submissions (3):

Labcorp Genetics (formerly Invitae), Labcorp
Classification: Pathogenic. Last evaluated: 2026-01-04. Review status: criteria provided, single submitter. Criteria: Invitae Variant Classification Sherloc (09022015). Collection method: clinical testing. Allele origin: germline.
Comment: This sequence change falls in intron 15 of the MSH3 gene. It does not directly change the encoded amino acid sequence of the MSH3 protein. RNA analysis indicates that this variant induces altered splicing and may result in an absent or altered protein product. The frequency data for this variant in the population databases is considered unreliable, as metrics indicate poor data quality at this position in the gnomAD database. This variant has not been reported in the literature in individuals affected with MSH3-related conditions. ClinVar contains an entry for this variant (Variation ID: 657243). Variants that disrupt the consensus splice site are a relatively common cause of aberrant splicing (PMID: 17576681, 9536098). Studies have shown that this variant results in skipping of exon 15, and produces a non-functional protein and/or introduces a premature termination codon (internal data). For these reasons, this variant has been classified as Pathogenic.

Ambry Genetics
Classification: Likely pathogenic for Hereditary cancer-predisposing syndrome. Last evaluated: 2025-08-12. Review status: criteria provided, single submitter. Criteria: Ambry Variant Classification Scheme 2023. Collection method: clinical testing. Allele origin: germline.
Comment: The c.2253+3_2253+7delAATGT intronic variant, located in intron 15 of the MSH3 gene, results from a deletion of 5 nucleotides within intron 15 of the MSH3 gene. These nucleotide positions are well conserved in available vertebrate species. In silico splice site analysis predicts that this alteration will weaken the native splice donor site. RNA studies have demonstrated that this alteration results in abnormal splicing in the set of samples tested (Ambry internal data). This variant is considered to be rare based on population cohorts in the Genome Aggregation Database (gnomAD). Based on the majority of available evidence to date, this variant is likely to be pathogenic.

Baylor Genetics
Classification: Likely pathogenic for Endometrial carcinoma. Last evaluated: 2024-03-13. Review status: criteria provided, single submitter. Criteria: ACMG Guidelines, 2015. Collection method: clinical testing. Allele origin: unknown.

Literature cited by the submitters: PubMed 17576681 (cited by Labcorp Genetics (formerly Invitae), Labcorp); PubMed 9536098 (cited by Labcorp Genetics (formerly Invitae), Labcorp).